The following is an entry in ClinVar:

NM_003743.5(NCOA1):c.4263G>A (p.Thr1421=)

Gene: NCOA1 (nuclear receptor coactivator 1; plus strand). Cytogenetic location: 2p23.3.
Variant type: single nucleotide variant.
Coding change: c.4263G>A on transcript NM_003743.5 (MANE Select); coding-DNA position 4263, G replaced by A.
Protein change: p.Thr1421=; no amino-acid change (threonine 1421 retained).
Molecular consequence: synonymous variant. On other transcripts: 3 prime UTR variant (5).
Genome position (GRCh38, 1-based): chr2:24,768,328, G>A. VCF-style: chr2-24768328-G-A. GRCh37 (hg19) VCF-style: chr2-24991197-G-A.
Other names: c.*120G>A (NM_001362950.1, NM_001362952.1, NM_001362955.1 and 1 more transcripts); c.*117G>A (NM_001362954.1); c.4260G>A, p.Thr1420= (NM_147233.2).
Identifiers: ClinVar variation 3042487 (VCV003042487.2), dbSNP rs145044877, ClinGen allele CA1552856.

ClinVar aggregate classification (germline): Likely benign (0 of 4 stars; one submission).

Conditions:
NCOA1-related disorder. Also called: NCOA1-related condition.

Allele frequency attached by ClinVar (database versions not stated): ExAC 0.00007; 1000 Genomes Project 30x 0.00016; 1000 Genomes Project 0.00020; ESP Exome Variant Server 0.00023.
gnomAD v4.1: 114 of 1,613,720 alleles (0.0071%); highest among the groups gnomAD compares: African/African-American, 0.12%; no homozygotes.

Submission:

PreventionGenetics, part of Exact Sciences
Classification: Likely benign for NCOA1-related condition. Last evaluated: 2020-11-10. Review status: no assertion criteria provided. Collection method: clinical testing. Allele origin: germline.
Comment: This variant is classified as likely benign based on ACMG/AMP sequence variant interpretation guidelines (Richards et al. 2015 PMID: 25741868, with internal and published modifications).